The following is an entry in ClinVar:

NM_001283009.2(RTEL1):c.3122G>C (p.Ser1041Thr)

Genes: RTEL1 (regulator of telomere elongation helicase 1; plus strand), RTEL1-TNFRSF6B (RTEL1-TNFRSF6B readthrough (NMD candidate); plus strand). Cytogenetic location: 20q13.33.
Variant type: single nucleotide variant.
Coding change: c.3122G>C on transcript NM_001283009.2 (MANE Select); coding-DNA position 3122, G replaced by C.
Protein change: p.Ser1041Thr; replaces serine 1041 with threonine.
Molecular consequence: missense variant. On other transcripts: non-coding transcript variant (1).
Genome position (GRCh38, 1-based): chr20:63,694,753, G>C. VCF-style: chr20-63694753-G-C. GRCh37 (hg19) VCF-style: chr20-62326106-G-C.
Other names: c.2453G>C, p.Ser818Thr (NM_001283010.1); c.3122G>C, p.Ser1041Thr (NM_016434.4); c.3194G>C, p.Ser1065Thr (NM_032957.5); short protein forms S1041T, S1065T, S818T.
Identifiers: ClinVar variation 4863528 (VCV004863528.1).
Genomic context (GRCh38, chr20:63,694,753, plus strand): 5'-CAGTCCTCCACCCCAGCGCCACTCTGAGCCATGCTACTCCCACACCAGGAGACCCTGGCA[G>C]CCAACCACAGTGGGGGTCTGGAGTGCCCAGAGCAGGGAAGCAGGGCCAGCACGCCGTGAG-3'
Protein context (NP_001269938.1, residues 1031-1051): PRPPPTGDPG[Ser1041Thr]QPQWGSGVPR

ClinVar aggregate classification (germline): Uncertain significance (1 of 4 stars; one submission).

Conditions:
Inborn genetic diseases. Identifiers: MedGen C0950123, MeSH D030342.

gnomAD v4.1: 3 of 1,604,316 alleles (0.00019%); highest among the groups gnomAD compares: Non-Finnish European, 0.00026%; no homozygotes.

Submission:

Ambry Genetics
Classification: Uncertain significance for Inborn genetic diseases. Last evaluated: 2026-03-27. Review status: criteria provided, single submitter. Criteria: Ambry Variant Classification Scheme 2023. Collection method: clinical testing. Allele origin: germline.
Comment: The p.S1041T variant (also known as c.3122G>C), located in coding exon 31 of the RTEL1 gene, results from a G to C substitution at nucleotide position 3122. The serine at codon 1041 is replaced by threonine, an amino acid with similar properties. This amino acid position is conserved. In addition, this alteration is predicted to be tolerated by in silico analysis. Based on the available evidence, the clinical significance of this variant remains unclear.